The following is an entry in ClinVar:

ClinVar aggregate classification (germline): Uncertain significance (1 of 4 stars; one submission).

Conditions:
Legius syndrome. Identifiers: Orphanet 137605, MedGen C1969623, MONDO:0012669, OMIM 611431. Disease mechanism: loss of function.

Submission:

Labcorp Genetics (formerly Invitae), Labcorp
Classification: Uncertain significance for Legius syndrome. Last evaluated: 2018-08-06. Review status: criteria provided, single submitter. Criteria: Invitae Variant Classification Sherloc (09022015). Collection method: clinical testing. Allele origin: germline.
Comment: This sequence change replaces asparagine with serine at codon 132 of the SPRED1 protein (p.Asn132Ser). The asparagine residue is moderately conserved and there is a small physicochemical difference between asparagine and serine. This variant is not present in population databases (ExAC no frequency). This variant has not been reported in the literature in individuals with SPRED1-related disease. Algorithms developed to predict the effect of missense changes on protein structure and function (SIFT, PolyPhen-2, Align-GVGD) all suggest that this variant is likely to be tolerated, but these predictions have not been confirmed by published functional studies and their clinical significance is uncertain. In summary, the available evidence is currently insufficient to determine the role of this variant in disease. Therefore, it has been classified as a Variant of Uncertain Significance.

NM_152594.3(SPRED1):c.395A>G (p.Asn132Ser)

Gene: SPRED1 (sprouty related EVH1 domain containing 1; plus strand). Cytogenetic location: 15q14.
Variant type: single nucleotide variant.
Coding change: c.395A>G on transcript NM_152594.3 (MANE Select); coding-DNA position 395, A replaced by G.
Protein change: p.Asn132Ser; replaces asparagine 132 with serine.
Molecular consequence: missense variant.
Genome position (GRCh38, 1-based): chr15:38,324,781, A>G. VCF-style: chr15-38324781-A-G. GRCh37 (hg19) VCF-style: chr15-38616982-A-G.
Other names: short protein forms N132S.
Identifiers: ClinVar variation 640126 (VCV000640126.9), dbSNP rs1595748117, ClinGen allele CA391932319.